The following is an entry in ClinVar:

NM_004380.3(CREBBP):c.3234G>T (p.Ser1078=)

Gene: CREBBP (CREB binding lysine acetyltransferase; minus strand). Cytogenetic location: 16p13.3.
Variant type: single nucleotide variant.
Coding change: c.3234G>T on transcript NM_004380.3 (MANE Select); coding-DNA position 3234, G replaced by T.
Protein change: p.Ser1078=; no amino-acid change (serine 1078 retained).
Molecular consequence: synonymous variant.
Genome position (GRCh38, 1-based): chr16:3,767,736, C>A on the plus strand (G>T on the coding strand, the complement: CREBBP is on the minus strand). VCF-style: chr16-3767736-C-A. GRCh37 (hg19) VCF-style: chr16-3817737-C-A.
Other names: c.3120G>T, p.Ser1040= (NM_001079846.1); c.3234G>T (NM_004380.2).
Identifiers: ClinVar variation 2799363 (VCV002799363.4), dbSNP rs1482660588, ClinGen allele CA493286976.

ClinVar aggregate classification (germline): Likely benign. Review status: criteria provided, single submitter (1 of 4 stars). 2 submissions from 2 submitters: Likely benign (1). 1 of the submissions does not count toward it. Last evaluated 2022-11-30.

Conditions:
CREBBP-related disorder. Also called: CREBBP-related condition; CREBBP-related disorders.
Rubinstein-Taybi syndrome (RSTS). Identifiers: Orphanet 783, MedGen C0035934, MONDO:0019188.

gnomAD v4.1: 7 of 1,614,116 alleles (0.00043%); highest among the groups gnomAD compares: African/African-American, 0.0013%; no homozygotes.

Submissions (2):

Labcorp Genetics (formerly Invitae), Labcorp
Classification: Likely benign for Rubinstein-Taybi syndrome. Last evaluated: 2022-11-30. Review status: criteria provided, single submitter. Criteria: Invitae Variant Classification Sherloc (09022015). Collection method: clinical testing. Allele origin: germline.

PreventionGenetics, part of Exact Sciences
Classification: Likely benign for CREBBP-related condition. Last evaluated: 2024-09-23. Review status: no assertion criteria provided. Collection method: clinical testing. Allele origin: germline. Not counted in ClinVar's aggregate classification.
Comment: This variant is classified as likely benign based on ACMG/AMP sequence variant interpretation guidelines (Richards et al. 2015 PMID: 25741868, with internal and published modifications).